The following is an entry in ClinVar:

ClinVar aggregate classification (germline): Conflicting classifications of pathogenicity. Review status: criteria provided, conflicting classifications (1 of 4 stars). 5 submissions from 5 submitters: Uncertain significance (2); Likely benign (2). 1 of the submissions does not count toward it. Last evaluated 2025-06-02.

Conditions:
MAGEL2-related disorder. Also called: MAGEL2-related condition.
Inborn genetic diseases. Identifiers: MedGen C0950123, MeSH D030342.
Schaaf-Yang syndrome (SHFYNG). Also called: MAGEL2-related Prader-Willi-like syndrome; Arthrogryposis, distal, with hypopituitarism, intellectual disability, and facial anomalies. Identifiers: Orphanet 398069, MedGen C5575066, MONDO:0014243, OMIM 615547.

Allele frequency attached by ClinVar (database versions not stated): ExAC 0.00003; gnomAD 0.00003; TOPMed 0.00005; ESP Exome Variant Server 0.00017.

Submissions (5):

Labcorp Genetics (formerly Invitae), Labcorp
Classification: Uncertain significance. Last evaluated: 2025-06-02. Review status: criteria provided, single submitter. Criteria: Invitae Variant Classification Sherloc (09022015). Collection method: clinical testing. Allele origin: germline.
Comment: This sequence change replaces alanine, which is neutral and non-polar, with aspartic acid, which is acidic and polar, at codon 1086 of the MAGEL2 protein (p.Ala1086Asp). This variant is present in population databases (rs373819727, gnomAD 0.006%). This variant has not been reported in the literature in individuals affected with MAGEL2-related conditions. ClinVar contains an entry for this variant (Variation ID: 2062869). Invitae Evidence Modeling of protein sequence and biophysical properties (such as structural, functional, and spatial information, amino acid conservation, physicochemical variation, residue mobility, and thermodynamic stability) indicates that this missense variant is not expected to disrupt MAGEL2 protein function with a negative predictive value of 80%. In summary, the available evidence is currently insufficient to determine the role of this variant in disease. Therefore, it has been classified as a Variant of Uncertain Significance.

CeGaT Center for Human Genetics Tuebingen
Classification: Likely benign. Last evaluated: 2023-06-01. Review status: criteria provided, single submitter. Criteria: CeGaT Center For Human Genetics Tuebingen Variant Classification Criteria Version 2. Collection method: clinical testing. Allele origin: germline. Affected: yes. Observed: 1 variant allele.
Comment: MAGEL2: BP4

Ambry Genetics
Classification: Likely benign for Inborn genetic diseases. Last evaluated: 2022-11-08. Review status: criteria provided, single submitter. Criteria: Ambry Variant Classification Scheme 2023. Collection method: clinical testing. Allele origin: germline.

Revvity Omics, Revvity
Classification: Uncertain significance for Schaaf-Yang syndrome. Last evaluated: 2021-11-22. Review status: criteria provided, single submitter. Criteria: ACMG Guidelines, 2015. Collection method: clinical testing. Allele origin: germline.

PreventionGenetics, part of Exact Sciences
Classification: Uncertain significance for MAGEL2-related condition. Last evaluated: 2024-07-23. Review status: no assertion criteria provided. Collection method: clinical testing. Allele origin: germline. Not counted in ClinVar's aggregate classification.
Comment: The MAGEL2 c.3257C>A variant is predicted to result in the amino acid substitution p.Ala1086Asp. To our knowledge, this variant has not been reported in the literature or in a large population database, indicating this variant is rare. At this time, the clinical significance of this variant is uncertain due to the absence of conclusive functional and genetic evidence.

NM_019066.5(MAGEL2):c.3257C>A (p.Ala1086Asp)

Gene: MAGEL2 (MAGE family member L2; minus strand). Cytogenetic location: 15q11.2.
Variant type: single nucleotide variant.
Coding change: c.3257C>A on transcript NM_019066.5 (MANE Select); coding-DNA position 3257, C replaced by A.
Protein change: p.Ala1086Asp; replaces alanine 1086 with aspartic acid.
Molecular consequence: missense variant.
Genome position (GRCh38, 1-based): chr15:23,644,486, G>T on the plus strand (C>A on the coding strand, the complement: MAGEL2 is on the minus strand). VCF-style: chr15-23644486-G-T. GRCh37 (hg19) VCF-style: chr15-23889633-G-T.
Other names: short protein forms A1086D.
Identifiers: ClinVar variation 2062869 (VCV002062869.30), dbSNP rs373819727, ClinGen allele CA7429713.